The following is an entry in ClinVar:

ClinVar aggregate classification (germline): Likely benign. Review status: criteria provided, multiple submitters, no conflicts (2 of 4 stars). 2 submissions from 2 submitters: Likely benign (2). Last evaluated 2024-04-26.

Conditions:
Ataxia-telangiectasia syndrome (AT). Also called: ATAXIA-TELANGIECTASIA, COMPLEMENTATION GROUP A; ATAXIA-TELANGIECTASIA, FRESNO VARIANT; Ataxia-telangiectasia, complementation group E; Ataxia telangiectasia (A-T); Ataxia-telangiectasia, complementation group D; AT, COMPLEMENTATION GROUP C. Identifiers: Orphanet 100, MedGen C0004135, MONDO:0008840, OMIM 208900.
Familial cancer of breast. Also called: hereditary breast carcinoma; BREAST CANCER, FAMILIAL; Hereditary breast cancer. Identifiers: Orphanet 227535, MedGen C0346153, MONDO:0016419, OMIM 114480. Disease mechanism: loss of function.

Allele frequency attached by ClinVar (database versions not stated): gnomAD exomes 0.00001.

Submissions (2):

Myriad Genetics, Inc.
Classification: Likely benign for Familial cancer of breast. Last evaluated: 2024-04-26. Review status: criteria provided, single submitter. Criteria: Myriad Autosomal Dominant, Autosomal Recessive and X-Linked Classification Criteria (2023). Collection method: clinical testing. Allele origin: unknown.
Comment: This variant is considered likely benign. This variant is intronic and is not expected to impact mRNA splicing.

Labcorp Genetics (formerly Invitae), Labcorp
Classification: Likely benign for Ataxia-telangiectasia syndrome. Last evaluated: 2024-04-16. Review status: criteria provided, single submitter. Criteria: Invitae Variant Classification Sherloc (09022015). Collection method: clinical testing. Allele origin: germline.

NM_000051.4(ATM):c.1236-18C>T

Gene: ATM (ATM serine/threonine kinase; plus strand). Cytogenetic location: 11q22.3.
Variant type: single nucleotide variant.
Coding change: c.1236-18C>T on transcript NM_000051.4 (MANE Select); 18 bases into the intron before coding-DNA position 1236, C replaced by T.
Molecular consequence: intron variant.
Genome position (GRCh38, 1-based): chr11:108,250,683, C>T. VCF-style: chr11-108250683-C-T. GRCh37 (hg19) VCF-style: chr11-108121410-C-T.
Other names: c.1236-18C>T (NM_001351834.2).
Identifiers: ClinVar variation 1659490 (VCV001659490.8), dbSNP rs201767651, ClinGen allele CA228390762.
Genomic context (GRCh38, chr11:108,250,683, plus strand): 5'-TACCATGTCTATATATTTCCTTTTAGTTTGTTAATGTGATGGAATAGTTTTCAAATTATC[C>T]TTTTTTTTTTTTTTTAGGCTACAGATTGCAACCCAATTAATATCAAAGTATCCTGCAAGT-3'